The following is an entry in ClinVar:

NM_000214.3(JAG1):c.994A>G (p.Asn332Asp)

Gene: JAG1 (jagged canonical Notch ligand 1; minus strand). Cytogenetic location: 20p12.2.
Variant type: single nucleotide variant.
Coding change: c.994A>G on transcript NM_000214.3 (MANE Select); coding-DNA position 994, A replaced by G.
Protein change: p.Asn332Asp; replaces asparagine 332 with aspartic acid.
Molecular consequence: missense variant.
Genome position (GRCh38, 1-based): chr20:10,652,143, T>C on the plus strand (A>G on the coding strand, the complement: JAG1 is on the minus strand). VCF-style: chr20-10652143-T-C. GRCh37 (hg19) VCF-style: chr20-10632791-T-C.
Other names: short protein forms N332D.
Identifiers: ClinVar variation 1004096 (VCV001004096.12), dbSNP rs562158374, ClinGen allele CA311349703.

ClinVar aggregate classification (germline): Uncertain significance. Review status: criteria provided, single submitter (1 of 4 stars). 3 submissions from 3 submitters: Uncertain significance (1). 2 of the submissions do not count toward it. Last evaluated 2024-08-19.

Conditions:
Alagille syndrome due to a JAG1 point mutation. Also called: HEPATIC DUCTULAR HYPOPLASIA, SYNDROMATIC; Alagille Syndrome 1; JAG1-Related Alagille Syndrome. Identifiers: Orphanet 261619, Orphanet 52, MedGen C1956125, MONDO:0016862, OMIM 118450.

Allele frequency attached by ClinVar (database versions not stated): gnomAD 0.00001; gnomAD exomes 0.00001; TOPMed 0.00002.
gnomAD v4.1: 14 of 1,613,922 alleles (0.00087%); highest among the groups gnomAD compares: Non-Finnish European, 0.0012%; no homozygotes.

Submissions (3):

Labcorp Genetics (formerly Invitae), Labcorp
Classification: Uncertain significance for Alagille syndrome due to a JAG1 point mutation. Last evaluated: 2024-08-19. Review status: criteria provided, single submitter. Criteria: Invitae Variant Classification Sherloc (09022015). Collection method: clinical testing. Allele origin: germline.
Comment: This sequence change replaces asparagine, which is neutral and polar, with aspartic acid, which is acidic and polar, at codon 332 of the JAG1 protein (p.Asn332Asp). This variant is present in population databases (rs562158374, gnomAD 0.004%). This variant has not been reported in the literature in individuals affected with JAG1-related conditions. ClinVar contains an entry for this variant (Variation ID: 1004096). Invitae Evidence Modeling of protein sequence and biophysical properties (such as structural, functional, and spatial information, amino acid conservation, physicochemical variation, residue mobility, and thermodynamic stability) indicates that this missense variant is not expected to disrupt JAG1 protein function with a negative predictive value of 80%. In summary, the available evidence is currently insufficient to determine the role of this variant in disease. Therefore, it has been classified as a Variant of Uncertain Significance.

Clinical Genetics DNA and cytogenetics Diagnostics Lab, Erasmus MC, Erasmus Medical Center
Classification: Uncertain significance. Review status: no assertion criteria provided. Collection method: clinical testing. Allele origin: germline. Affected: yes. Study: VKGL Data-share Consensus. Not counted in ClinVar's aggregate classification.

Diagnostic Laboratory, Department of Genetics, University Medical Center Groningen
Classification: Uncertain significance. Review status: no assertion criteria provided. Collection method: clinical testing. Allele origin: germline. Affected: yes. Study: VKGL Data-share Consensus. Not counted in ClinVar's aggregate classification.